The following is an entry in ClinVar:

NM_032217.5(ANKRD17):c.7454A>C (p.His2485Pro)

Gene: ANKRD17 (ankyrin repeat domain 17; minus strand). Cytogenetic location: 4q13.3.
Variant type: single nucleotide variant.
Coding change: c.7454A>C on transcript NM_032217.5 (MANE Select); coding-DNA position 7454, A replaced by C.
Protein change: p.His2485Pro; replaces histidine 2485 with proline.
Molecular consequence: missense variant.
Genome position (GRCh38, 1-based): chr4:73,077,488, T>G on the plus strand (A>C on the coding strand, the complement: ANKRD17 is on the minus strand). VCF-style: chr4-73077488-T-G. GRCh37 (hg19) VCF-style: chr4-73943205-T-G.
Other names: c.7115A>C, p.His2372Pro (NM_001286771.3); c.7451A>C, p.His2484Pro (NM_015574.2); c.6701A>C, p.His2234Pro (NM_198889.3); short protein forms H2234P, H2372P, H2484P, H2485P.
Identifiers: ClinVar variation 1328170 (VCV001328170.4), dbSNP rs1374134674, ClinGen allele CA357205537.

ClinVar aggregate classification (germline): Uncertain significance (1 of 4 stars; one submission).

Conditions:
Chopra-Amiel-Gordon syndrome (CAGS). Also called: ANKRD17-Related Neurodevelopmental Syndrome. Identifiers: MedGen C5561975, MONDO:0859186, OMIM 619504.

Allele frequency attached by ClinVar (database versions not stated): gnomAD exomes below 0.00001; gnomAD 0.00001.
gnomAD v4.1: 3 of 1,612,906 alleles (0.00019%); highest among the groups gnomAD compares: Non-Finnish European, 0.00025%; no homozygotes.

Submission:

Illumina Laboratory Services, Illumina
Classification: Uncertain significance for Chopra-Amiel-Gordon syndrome. Last evaluated: 2021-09-16. Review status: criteria provided, single submitter. Criteria: ICSLVariantClassificationCriteria RUGD 01 April 2020. Collection method: clinical testing. Allele origin: unknown.
Comment: The ANKRD17 c.7454A>C (p.His2485Pro) variant is a missense variant. A literature search was performed for the gene, cDNA change and amino acid change. No publications were found based on this search. The p.His2485Pro variant is reported at a frequency of 0.000065 in the European (non-Finnish) population of the Genome Aggregation Database (version 2.1.1), though this is based on one allele in a region of good sequencing coverage, so the variant is presumed to be rare. Based on the limited evidence, the p.His2485Pro variant is classified as a variant of uncertain significance for Chopra-Amiel-Gordon syndrome.